The following is an entry in ClinVar:

ClinVar aggregate classification (germline): Uncertain significance (1 of 4 stars; one submission).

Allele frequency attached by ClinVar (database versions not stated): TOPMed below 0.00001; gnomAD exomes below 0.00001.
gnomAD v4.1: 6 of 1,613,732 alleles (0.00037%); highest among the groups gnomAD compares: South Asian, 0.0011%; no homozygotes.

Submission:

Labcorp Genetics (formerly Invitae), Labcorp
Classification: Uncertain significance. Last evaluated: 2025-03-06. Review status: criteria provided, single submitter. Criteria: Invitae Variant Classification Sherloc (09022015). Collection method: clinical testing. Allele origin: germline.
Comment: This sequence change replaces alanine, which is neutral and non-polar, with valine, which is neutral and non-polar, at codon 666 of the RAI1 protein (p.Ala666Val). This variant is not present in population databases (gnomAD no frequency). This variant has not been reported in the literature in individuals affected with RAI1-related conditions. ClinVar contains an entry for this variant (Variation ID: 2746894). Invitae Evidence Modeling of protein sequence and biophysical properties (such as structural, functional, and spatial information, amino acid conservation, physicochemical variation, residue mobility, and thermodynamic stability) indicates that this missense variant is not expected to disrupt RAI1 protein function with a negative predictive value of 80%. In summary, the available evidence is currently insufficient to determine the role of this variant in disease. Therefore, it has been classified as a Variant of Uncertain Significance.

NM_030665.4(RAI1):c.1997C>T (p.Ala666Val)

Gene: RAI1 (retinoic acid induced 1; plus strand). Cytogenetic location: 17p11.2.
Variant type: single nucleotide variant.
Coding change: c.1997C>T on transcript NM_030665.4 (MANE Select); coding-DNA position 1997, C replaced by T.
Protein change: p.Ala666Val; replaces alanine 666 with valine.
Molecular consequence: missense variant.
Genome position (GRCh38, 1-based): chr17:17,794,945, C>T. VCF-style: chr17-17794945-C-T. GRCh37 (hg19) VCF-style: chr17-17698259-C-T.
Other names: short protein forms A666V.
Identifiers: ClinVar variation 2746894 (VCV002746894.3), dbSNP rs1299605141, ClinGen allele CA398549733.
Genomic context (GRCh38, chr17:17,794,945, plus strand): 5'-ACAGCGCCTGCCTGGACTCTGTGGCCAAGAGTGCGTGGCCCCGGCCTGGGGAGCCGGAGG[C>T]CCTGCCCGACTCCTTGCAGCTGGACAAGGGCGGCAATGCCAAGGACTTCAGCCCAGGGCT-3'
Protein context (NP_109590.3, residues 656-676): SAWPRPGEPE[Ala666Val]LPDSLQLDKG